The following is an entry in ClinVar:

NM_001042492.3(NF1):c.7063A>C (p.Ser2355Arg)

Gene: NF1 (neurofibromin 1; plus strand). Cytogenetic location: 17q11.2.
Variant type: single nucleotide variant.
Coding change: c.7063A>C on transcript NM_001042492.3 (MANE Select); coding-DNA position 7063, A replaced by C.
Protein change: p.Ser2355Arg; replaces serine 2355 with arginine.
Molecular consequence: missense variant.
Genome position (GRCh38, 1-based): chr17:31,343,009, A>C. VCF-style: chr17-31343009-A-C. GRCh37 (hg19) VCF-style: chr17-29670027-A-C.
Other names: c.7000A>C, p.Ser2334Arg (NM_000267.4); short protein forms S2334R, S2355R.
Identifiers: ClinVar variation 2677173 (VCV002677173.3), dbSNP rs2508779364, ClinGen allele CA399015499.
Genomic context (GRCh38, chr17:31,343,009, plus strand): 5'-AGCCTTTAAAGAAAGCTACTGTGTGAACCTCATCAACCATCTCATGATTATCTTTAATAG[A>C]GTCCAGAGGAAGTATTTATGGCAATCCGGAATCCTCTGGAGTGGCACTGCAAGCAAATGG-3'
Protein context (NP_001035957.1, residues 2345-2365): LDSLRIFNDK[Ser2355Arg]PEEVFMAIRN

ClinVar aggregate classification (germline): Uncertain significance. Review status: criteria provided, multiple submitters, no conflicts (2 of 4 stars). 3 submissions from 3 submitters: Uncertain significance (3). Last evaluated 2025-01-14.

Conditions:
Neurofibromatosis, type 1 (NF1). Also called: NEUROFIBROMATOSIS, TYPE I, SOMATIC; Peripheral type neurofibromatosis; VON RECKLINGHAUSEN DISEASE; Neurofibromatosis, type I. Identifiers: Orphanet 636, MedGen C0027831, MONDO:0018975, OMIM 162200. Disease mechanism: loss of function.
Juvenile myelomonocytic leukemia (JMML). Also called: LEUKEMIA, JUVENILE MYELOMONOCYTIC, SOMATIC. Identifiers: Orphanet 86834, MedGen C0349639, MONDO:0011908, OMIM 607785, HP:0012209.
Neurofibromatosis, familial spinal (FSNF). Identifiers: Orphanet 636, MedGen C1834235, MONDO:0008078, OMIM 162210. Disease mechanism: loss of function.
Neurofibromatosis-Noonan syndrome (NFNS). Also called: NEUROFIBROMATOSIS WITH NOONAN PHENOTYPE. Identifiers: Orphanet 638, MedGen C2931482, MONDO:0011035, OMIM 601321. Disease mechanism: loss of function.
Café-au-lait macules with pulmonary stenosis (WTSN). Also called: PULMONIC STENOSIS WITH CAFE-AU-LAIT SPOTS. Identifiers: MedGen C0553586, MONDO:0008672, OMIM 193520.

gnomAD v4.1: 1 of 1,614,142 alleles (0.000062%); highest among the groups gnomAD compares: African/African-American, 0.0013%; no homozygotes.

Submissions (3):

GeneDx
Classification: Uncertain significance. Last evaluated: 2025-01-14. Review status: criteria provided, single submitter. Criteria: GeneDx Variant Classification Process June 2021. Collection method: clinical testing. Allele origin: germline. Affected: yes.
Comment: Not observed at significant frequency in large population cohorts (gnomAD); In silico analysis supports that this missense variant has a deleterious effect on protein structure/function; Has not been previously published as pathogenic or benign to our knowledge; This variant is associated with the following publications: (PMID: 25486365)

Fulgent Genetics
Classification: Uncertain significance for Neurofibromatosis, type 1; Neurofibromatosis, familial spinal; Café-au-lait macules with pulmonary stenosis; Neurofibromatosis-Noonan syndrome; Juvenile myelomonocytic leukemia. Last evaluated: 2024-05-08. Review status: criteria provided, single submitter. Criteria: ACMG Guidelines, 2015. Collection method: clinical testing. Allele origin: germline.

Baylor Genetics
Classification: Uncertain significance for Juvenile myelomonocytic leukemia. Last evaluated: 2023-10-18. Review status: criteria provided, single submitter. Criteria: ACMG Guidelines, 2015. Collection method: clinical testing. Allele origin: unknown.